The following is an entry in ClinVar:

NM_006206.6(PDGFRA):c.101A>T (p.Glu34Val)

Gene: PDGFRA (platelet derived growth factor receptor alpha; plus strand). Cytogenetic location: 4q12.
Variant type: single nucleotide variant.
Coding change: c.101A>T on transcript NM_006206.6 (MANE Select); coding-DNA position 101, A replaced by T.
Protein change: p.Glu34Val; replaces glutamic acid 34 with valine.
Molecular consequence: missense variant.
Genome position (GRCh38, 1-based): chr4:54,261,146, A>T. VCF-style: chr4-54261146-A-T. GRCh37 (hg19) VCF-style: chr4-55127313-A-T.
Other names: c.101A>T, p.Glu34Val (NM_001347827.2, NM_001347829.2); c.176A>T, p.Glu59Val (NM_001347828.2); c.140A>T, p.Glu47Val (NM_001347830.2); short protein forms E34V, E47V, E59V.
Identifiers: ClinVar variation 3416452 (VCV003416452.1).

ClinVar aggregate classification (germline): Uncertain significance (1 of 4 stars; one submission).

Conditions:
Hereditary cancer-predisposing syndrome. Also called: Neoplastic Syndromes, Hereditary; Tumor predisposition; Hereditary Cancer Syndrome; Hereditary neoplastic syndrome. Identifiers: Orphanet 140162, MedGen C0027672, MeSH D009386, MONDO:0015356.

Submission:

Ambry Genetics
Classification: Uncertain significance for Hereditary cancer-predisposing syndrome. Last evaluated: 2024-12-08. Review status: criteria provided, single submitter. Criteria: Ambry Variant Classification Scheme 2023. Collection method: clinical testing. Allele origin: germline.
Comment: The p.E34V variant (also known as c.101A>T), located in coding exon 2 of the PDGFRA gene, results from an A to T substitution at nucleotide position 101. The glutamic acid at codon 34 is replaced by valine, an amino acid with dissimilar properties. This amino acid position is conserved. In addition, this alteration is predicted to be tolerated by in silico analysis. Based on the available evidence, the clinical significance of this variant remains unclear.